The following is an entry in ClinVar:

NM_005204.4(MAP3K8):c.1375C>G (p.Arg459Gly)

Gene: MAP3K8 (mitogen-activated protein kinase kinase kinase 8; plus strand). Cytogenetic location: 10p11.23.
Variant type: single nucleotide variant.
Coding change: c.1375C>G on transcript NM_005204.4 (MANE Select); coding-DNA position 1375, C replaced by G.
Protein change: p.Arg459Gly; replaces arginine 459 with glycine.
Molecular consequence: missense variant.
Genome position (GRCh38, 1-based): chr10:30,460,807, C>G. VCF-style: chr10-30460807-C-G. GRCh37 (hg19) VCF-style: chr10-30749736-C-G.
Other names: c.1375C>G, p.Arg459Gly (NM_001244134.1, NM_001320961.2); short protein forms R459G.
Identifiers: ClinVar variation 4808659 (VCV004808659.1).

ClinVar aggregate classification (germline): Uncertain significance (1 of 4 stars; one submission).

Submission:

Labcorp Genetics (formerly Invitae), Labcorp
Classification: Uncertain significance. Last evaluated: 2025-12-22. Review status: criteria provided, single submitter. Criteria: Invitae Variant Classification Sherloc (09022015). Collection method: clinical testing. Allele origin: germline.
Comment: This sequence change replaces arginine, which is basic and polar, with glycine, which is neutral and non-polar, at codon 459 of the MAP3K8 protein (p.Arg459Gly). This variant is not present in population databases (gnomAD no frequency). This variant has not been reported in the literature in individuals affected with MAP3K8-related conditions. An algorithm developed to predict the effect of missense changes on protein structure and function (PolyPhen-2) suggests that this variant is likely to be disruptive. In summary, the available evidence is currently insufficient to determine the role of this variant in disease. Therefore, it has been classified as a Variant of Uncertain Significance.